The following is an entry in ClinVar:

NM_016343.4(CENPF):c.4877C>T (p.Ala1626Val)

Gene: CENPF (centromere protein F; plus strand). Cytogenetic location: 1q41.
Variant type: single nucleotide variant.
Coding change: c.4877C>T on transcript NM_016343.4 (MANE Select); coding-DNA position 4877, C replaced by T.
Protein change: p.Ala1626Val; replaces alanine 1626 with valine.
Molecular consequence: missense variant.
Genome position (GRCh38, 1-based): chr1:214,643,215, C>T. VCF-style: chr1-214643215-C-T. GRCh37 (hg19) VCF-style: chr1-214816558-C-T.
Other names: c.4877C>T (NM_016343.3); short protein forms A1626V.
Identifiers: ClinVar variation 1416355 (VCV001416355.7), dbSNP rs756765215, ClinGen allele CA1390673.

ClinVar aggregate classification (germline): Uncertain significance. Review status: criteria provided, multiple submitters, no conflicts (2 of 4 stars). 2 submissions from 2 submitters: Uncertain significance (2). Last evaluated 2024-02-12.

Conditions:
Inborn genetic diseases. Identifiers: MedGen C0950123, MeSH D030342.

Allele frequency attached by ClinVar (database versions not stated): ExAC 0.00001; gnomAD exomes 0.00001; gnomAD 0.00008 and 0.00009; TOPMed 0.00011.
gnomAD v4.1: 33 of 1,602,876 alleles (0.0021%); highest among the groups gnomAD compares: Admixed American, 0.017%; no homozygotes.

Submissions (2):

Ambry Genetics
Classification: Uncertain significance for Inborn genetic diseases. Last evaluated: 2024-02-12. Review status: criteria provided, single submitter. Criteria: Ambry Variant Classification Scheme 2023. Collection method: clinical testing. Allele origin: germline.

Labcorp Genetics (formerly Invitae), Labcorp
Classification: Uncertain significance. Last evaluated: 2022-09-27. Review status: criteria provided, single submitter. Criteria: Invitae Variant Classification Sherloc (09022015). Collection method: clinical testing. Allele origin: germline.
Comment: In summary, the available evidence is currently insufficient to determine the role of this variant in disease. Therefore, it has been classified as a Variant of Uncertain Significance. Algorithms developed to predict the effect of sequence changes on RNA splicing suggest that this variant may create or strengthen a splice site. Algorithms developed to predict the effect of missense changes on protein structure and function are either unavailable or do not agree on the potential impact of this missense change (SIFT: "Tolerated"; PolyPhen-2: "Probably Damaging"; Align-GVGD: "Class C0"). ClinVar contains an entry for this variant (Variation ID: 1416355). This variant has not been reported in the literature in individuals affected with CENPF-related conditions. The frequency data for this variant in the population databases is considered unreliable, as metrics indicate poor data quality at this position in the gnomAD database. This sequence change replaces alanine, which is neutral and non-polar, with valine, which is neutral and non-polar, at codon 1626 of the CENPF protein (p.Ala1626Val).